The following is an entry in ClinVar:

ClinVar aggregate classification (germline): Uncertain significance. Review status: criteria provided, multiple submitters, no conflicts (2 of 4 stars). 5 submissions from 5 submitters: Uncertain significance (5). Last evaluated 2026-01-19.

Conditions:
Inborn genetic diseases. Identifiers: MedGen C0950123, MeSH D030342.
Autosomal recessive ataxia, Beauce type. Also called: Spinocerebellar ataxia, autosomal recessive 8; ATAXIA, RECESSIVE, OF BEAUCE; SYNE1 Deficiency; SYNE1-Related Autosomal Recessive Cerebellar Ataxia. Identifiers: Orphanet 88644, MedGen C1853116, MONDO:0012549, OMIM 610743.
Emery-Dreifuss muscular dystrophy 4, autosomal dominant (EDMD4). Also called: EMERY-DREIFUSS MUSCULAR DYSTROPHY 4 WITH VARIABLE FEATURES. Identifiers: Orphanet 261, MedGen C2751807, MONDO:0013071, OMIM 612998.

Allele frequency attached by ClinVar (database versions not stated): gnomAD exomes 0.00002 and 0.00004; ExAC 0.00004; 1000 Genomes Project 30x 0.00016; 1000 Genomes Project 0.00020; gnomAD 0.00021 and 0.00024; ESP Exome Variant Server 0.00023; TOPMed 0.00031.
gnomAD v4.1: 75 of 1,613,888 alleles (0.0046%); highest among the groups gnomAD compares: African/African-American, 0.075%; no homozygotes.

Submissions (5):

Labcorp Genetics (formerly Invitae), Labcorp
Classification: Uncertain significance for Emery-Dreifuss muscular dystrophy 4, autosomal dominant; Autosomal recessive ataxia, Beauce type. Last evaluated: 2026-01-19. Review status: criteria provided, single submitter. Criteria: Invitae Variant Classification Sherloc (09022015). Collection method: clinical testing. Allele origin: germline.
Comment: This sequence change replaces glutamine, which is neutral and polar, with glutamic acid, which is acidic and polar, at codon 1498 of the SYNE1 protein (p.Gln1498Glu). This variant is present in population databases (rs144276162, gnomAD 0.06%). This variant has not been reported in the literature in individuals affected with SYNE1-related conditions. ClinVar contains an entry for this variant (Variation ID: 290269). An algorithm developed to predict the effect of missense changes on protein structure and function outputs the following: PolyPhen-2: "Benign". The glutamic acid amino acid residue is found in multiple mammalian species, which suggests that this missense change does not adversely affect protein function. In summary, the available evidence is currently insufficient to determine the role of this variant in disease. Therefore, it has been classified as a Variant of Uncertain Significance.

Ambry Genetics
Classification: Uncertain significance for Inborn genetic diseases. Last evaluated: 2021-07-14. Review status: criteria provided, single submitter. Criteria: Ambry Variant Classification Scheme 2023. Collection method: clinical testing. Allele origin: germline.

Athena Diagnostics
Classification: Uncertain significance. Last evaluated: 2021-03-19. Review status: criteria provided, single submitter. Criteria: Athena Diagnostics Criteria. Collection method: clinical testing. Allele origin: unknown.

Revvity Omics, Revvity
Classification: Uncertain significance. Last evaluated: 2019-03-22. Review status: criteria provided, single submitter. Criteria: ACMG Guidelines, 2015. Collection method: clinical testing. Allele origin: germline.

Eurofins Ntd Llc (ga)
Classification: Uncertain significance. Last evaluated: 2018-04-13. Review status: criteria provided, single submitter. Criteria: EGL ClinVar v180209 classification definitions. Collection method: clinical testing. Allele origin: germline. Observed: 2 variant alleles, 2 heterozygotes.

NM_182961.4(SYNE1):c.4471C>G (p.Gln1491Glu)

Gene: SYNE1 (spectrin repeat containing nuclear envelope protein 1; minus strand). Cytogenetic location: 6q25.2.
Variant type: single nucleotide variant.
Coding change: c.4471C>G on transcript NM_182961.4 (MANE Select); coding-DNA position 4471, C replaced by G.
Protein change: p.Gln1491Glu; replaces glutamine 1491 with glutamic acid.
Molecular consequence: missense variant.
Genome position (GRCh38, 1-based): chr6:152,430,700, G>C on the plus strand (C>G on the coding strand, the complement: SYNE1 is on the minus strand). VCF-style: chr6-152430700-G-C. GRCh37 (hg19) VCF-style: chr6-152751835-G-C.
Other names: c.4492C>G, p.Gln1498Glu (NM_033071.5); short protein forms Q1498E, Q1491E.
Identifiers: ClinVar variation 290269 (VCV000290269.22), dbSNP rs144276162, ClinGen allele CA4058542.
Genomic context (GRCh38, chr6:152,430,700, plus strand): 5'-CAAAAGACTGGGCTTCTTCTTCTAATCCTACAATGCTGCTGAGCTTACTTTCTATTTCCT[G>C]AATTGTGACCTAATAGTTAAAACAAGAAAAATGACAATGTAGGCTGAGCAAGCTTGCCTT-3'
Protein context (NP_892006.3, residues 1481-1501): MQISQIKVTI[Gln1491Glu]EIESKLSSIV